The following is an entry in ClinVar:

ClinVar aggregate classification (germline): Pathogenic (3 of 4 stars; one submission).

Conditions:
Breast-ovarian cancer, familial, susceptibility to, 1 (BROVCA1). Also called: BRCA1 Hereditary Breast and Ovarian Cancer; OVARIAN CANCER, SUSCEPTIBILITY TO. Identifiers: Orphanet 145, MedGen C2676676, MONDO:0011450, OMIM 604370. Disease mechanism: loss of function.

Submission:

Evidence-based Network for the Interpretation of Germline Mutant Alleles (ENIGMA)
Classification: Pathogenic for Breast-ovarian cancer, familial, susceptibility to, 1. Last evaluated: 2016-09-08. Review status: reviewed by expert panel. Criteria: ENIGMA BRCA1/2 Classification Criteria (2015). Collection method: curation. Allele origin: germline.
Comment: Variant allele predicted to encode a truncated non-functional protein.

NM_007294.4(BRCA1):c.5123del (p.Ala1708fs)

Gene: BRCA1 (BRCA1 DNA repair associated; minus strand). Cytogenetic location: 17q21.31.
Variant type: Deletion.
Coding change: c.5123del on transcript NM_007294.4 (MANE Select); coding-DNA position 5123, one base deleted (C; older notation c.5123delC).
Protein change: p.Ala1708fs; shifts the reading frame from alanine 1708.
Molecular consequence: frameshift variant. On other transcripts: non-coding transcript variant (1).
Genome position (GRCh38, 1-based): chr17:43,063,903, G deleted on the plus strand (C on the coding strand, the reverse complement: BRCA1 is on the minus strand). VCF-style (leftmost placement, unchanged base first): chr17-43063902-CG-C. GRCh37 (hg19) VCF-style: chr17-41215919-CG-C.
Other names: c.1880delC, p.Ala627Glyfs (NM_001407971.1, NM_001407970.1); c.1877delC, p.Ala626Glyfs (NM_001407972.1); c.1814delC, p.Ala605Glyfs (NM_001407973.1, NM_001407974.1, NM_001407975.1 and 3 more transcripts); c.1811delC, p.Ala604Glyfs (NM_001407979.1, NM_001407980.1, NM_001407981.1 and 12 more transcripts); c.1808delC, p.Ala603Glyfs (NM_001408392.1, NM_001408396.1, NM_001408397.1 and 8 more transcripts); c.1805delC, p.Ala602Glyfs (NM_001408406.1, NM_001408407.1, NM_001408408.1); c.1802delC, p.Ala601Glyfs (NM_001408409.1); c.1739delC, p.Ala580Glyfs (NM_001408410.1); and 74 more; short protein forms A1661fs, A1708fs, A1729fs, A604fs.
Identifiers: ClinVar variation 254462 (VCV000254462.3), dbSNP rs886038040, ClinGen allele CA10586604.